The following is an entry in ClinVar:

ClinVar aggregate classification (germline): Uncertain significance (1 of 4 stars; one submission).

Allele frequency attached by ClinVar (database versions not stated): gnomAD 0.00001; ExAC 0.00002; TOPMed 0.00003.
gnomAD v4.1: 13 of 1,614,088 alleles (0.00081%); highest among the groups gnomAD compares: Middle Eastern, 0.016%; no homozygotes.

Submission:

Labcorp Genetics (formerly Invitae), Labcorp
Classification: Uncertain significance. Last evaluated: 2024-12-12. Review status: criteria provided, single submitter. Criteria: Invitae Variant Classification Sherloc (09022015). Collection method: clinical testing. Allele origin: germline.
Comment: This sequence change replaces arginine, which is basic and polar, with glutamine, which is neutral and polar, at codon 1561 of the MYH3 protein (p.Arg1561Gln). This variant is present in population databases (rs756126166, gnomAD 0.01%). This variant has not been reported in the literature in individuals affected with MYH3-related conditions. ClinVar contains an entry for this variant (Variation ID: 3020190). Invitae Evidence Modeling of protein sequence and biophysical properties (such as structural, functional, and spatial information, amino acid conservation, physicochemical variation, residue mobility, and thermodynamic stability) indicates that this missense variant is not expected to disrupt MYH3 protein function with a negative predictive value of 95%. In summary, the available evidence is currently insufficient to determine the role of this variant in disease. Therefore, it has been classified as a Variant of Uncertain Significance.

NM_002470.4(MYH3):c.4682G>A (p.Arg1561Gln)

Gene: MYH3 (myosin heavy chain 3; minus strand). Cytogenetic location: 17p13.1.
Variant type: single nucleotide variant.
Coding change: c.4682G>A on transcript NM_002470.4 (MANE Select); coding-DNA position 4682, G replaced by A.
Protein change: p.Arg1561Gln; replaces arginine 1561 with glutamine.
Molecular consequence: missense variant.
Genome position (GRCh38, 1-based): chr17:10,632,750, C>T on the plus strand (G>A on the coding strand, the complement: MYH3 is on the minus strand). VCF-style: chr17-10632750-C-T. GRCh37 (hg19) VCF-style: chr17-10536067-C-T.
Other names: short protein forms R1561Q.
Identifiers: ClinVar variation 3020190 (VCV003020190.3), dbSNP rs756126166, ClinGen allele CA8392147.